The following is an entry in ClinVar:

ClinVar aggregate classification (germline): Benign (1 of 4 stars; one submission).

gnomAD v4.1: 41,159 of 1,614,204 alleles (2.5%); highest among the groups gnomAD compares: Middle Eastern, 3%; 610 homozygotes.

Submission:

Mayo Clinic Laboratories, Mayo Clinic
Classification: Benign. Last evaluated: 2024-08-30. Review status: criteria provided, single submitter. Criteria: ACMG Guidelines, 2015. Collection method: clinical testing. Allele origin: germline. Observed: 4 variant alleles.
Comment: BS1, BS2, BP4, BP7

NM_000185.4(SERPIND1):c.423G>A (p.Leu141=)

Genes: PI4KA (phosphatidylinositol 4-kinase alpha; minus strand), SERPIND1 (serpin family D member 1; plus strand). Cytogenetic location: 22q11.21.
Variant type: single nucleotide variant.
Coding change: c.423G>A on transcript NM_000185.4 (MANE Select); coding-DNA position 423, G replaced by A.
Protein change: p.Leu141=; no amino-acid change (leucine 141 retained).
Molecular consequence: synonymous variant. On other transcripts: intron variant (3).
Genome position (GRCh38, 1-based): chr22:20,779,735, G>A. VCF-style: chr22-20779735-G-A. GRCh37 (hg19) VCF-style: chr22-21134023-G-A.
Other names: p.Leu141=; c.2262+13458C>T (NM_001362863.2); c.2328+13458C>T (NM_001362862.2, NM_058004.4).
Identifiers: ClinVar variation 4684469 (VCV004684469.1).